The following is an entry in ClinVar:

ClinVar aggregate classification (germline): Uncertain significance (1 of 4 stars; one submission).

Submission:

Labcorp Genetics (formerly Invitae), Labcorp
Classification: Uncertain significance. Last evaluated: 2023-11-13. Review status: criteria provided, single submitter. Criteria: Invitae Variant Classification Sherloc (09022015). Collection method: clinical testing. Allele origin: germline.
Comment: This sequence change replaces valine, which is neutral and non-polar, with phenylalanine, which is neutral and non-polar, at codon 335 of the DFNA5 protein (p.Val335Phe). This variant is present in population databases (no rsID available, gnomAD 0.003%). This variant has not been reported in the literature in individuals affected with DFNA5-related conditions. Advanced modeling of protein sequence and biophysical properties (such as structural, functional, and spatial information, amino acid conservation, physicochemical variation, residue mobility, and thermodynamic stability) performed at Invitae indicates that this missense variant is not expected to disrupt DFNA5 protein function with a negative predictive value of 80%. In summary, the available evidence is currently insufficient to determine the role of this variant in disease. Therefore, it has been classified as a Variant of Uncertain Significance.

NM_001127453.2(GSDME):c.1003G>T (p.Val335Phe)

Gene: GSDME (gasdermin E; minus strand). Cytogenetic location: 7p15.3.
Variant type: single nucleotide variant.
Coding change: c.1003G>T on transcript NM_001127453.2 (MANE Select); coding-DNA position 1003, G replaced by T.
Protein change: p.Val335Phe; replaces valine 335 with phenylalanine.
Molecular consequence: missense variant.
Genome position (GRCh38, 1-based): chr7:24,706,364, C>A on the plus strand (G>T on the coding strand, the complement: GSDME is on the minus strand). VCF-style: chr7-24706364-C-A. GRCh37 (hg19) VCF-style: chr7-24745983-C-A.
Other names: c.511G>T, p.Val171Phe (NM_001127454.2); c.1003G>T, p.Val335Phe (NM_004403.3); short protein forms V171F, V335F.
Identifiers: ClinVar variation 2998925 (VCV002998925.3), dbSNP rs758735818, ClinGen allele CA367047200.